The following is an entry in ClinVar:

ClinVar aggregate classification (germline): Likely benign. Review status: criteria provided, multiple submitters, no conflicts (2 of 4 stars). 2 submissions from 2 submitters: Likely benign (2). Last evaluated 2025-06-12.

Conditions:
Von Hippel-Lindau syndrome (VHLS). Also called: von Hippel–Lindau syndrome; VHL syndrome; Von Hippel-Lindau. Identifiers: Orphanet 892, MedGen C0019562, MONDO:0008667, OMIM 193300. Disease mechanism: loss of function.
Chuvash polycythemia. Also called: POLYCYTHEMIA, VHL-DEPENDENT. Identifiers: Orphanet 238557, MedGen C1837915, MONDO:0009892, OMIM 263400.

Submissions (2):

Myriad Genetics, Inc.
Classification: Likely benign for Von Hippel-Lindau syndrome. Last evaluated: 2025-06-12. Review status: criteria provided, single submitter. Criteria: Myriad Autosomal Dominant, Autosomal Recessive and X-Linked Classification Criteria (2023). Collection method: clinical testing. Allele origin: unknown.
Comment: This variant is considered likely benign. This variant is intronic and is not expected to impact mRNA splicing.

Labcorp Genetics (formerly Invitae), Labcorp
Classification: Likely benign for Von Hippel-Lindau syndrome; Chuvash polycythemia. Last evaluated: 2024-01-14. Review status: criteria provided, single submitter. Criteria: Invitae Variant Classification Sherloc (09022015). Collection method: clinical testing. Allele origin: germline.

NM_000551.4(VHL):c.464-7C>T

Genes: VHL (von Hippel-Lindau tumor suppressor; plus strand), LOC107303340 (3p25 von Hippel-Lindau tumor suppressor, E3 ubiquitin protein ligase Alu-mediated recombination region; plus strand). Cytogenetic location: 3p25.3.
Variant type: single nucleotide variant.
Coding change: c.464-7C>T on transcript NM_000551.4 (MANE Select); 7 bases into the intron before coding-DNA position 464, C replaced by T.
Molecular consequence: intron variant.
Genome position (GRCh38, 1-based): chr3:10,149,780, C>T. VCF-style: chr3-10149780-C-T. GRCh37 (hg19) VCF-style: chr3-10191464-C-T.
Other names: c.*18-7C>T (NM_001354723.2); c.341-7C>T (NM_198156.3).
Identifiers: ClinVar variation 2928364 (VCV002928364.4), dbSNP rs1279650154, ClinGen allele CA541213527.